The following is an entry in ClinVar:

ClinVar aggregate classification (germline): Uncertain significance. Review status: criteria provided, multiple submitters, no conflicts (2 of 4 stars). 3 submissions from 3 submitters: Uncertain significance (2). 1 of the submissions does not count toward it. Last evaluated 2022-10-06.

Conditions:
Usher syndrome type 1 (USH1). Also called: RETINITIS PIGMENTOSA AND CONGENITAL DEAFNESS. Identifiers: Orphanet 231169, Orphanet 886, MedGen C1568247, MONDO:0010168, OMIM 276900.
Inborn genetic diseases. Identifiers: MedGen C0950123, MeSH D030342.

Allele frequency attached by ClinVar (database versions not stated): gnomAD 0.00001; ESP Exome Variant Server 0.00008; gnomAD exomes below 0.00001; TOPMed 0.00002.
gnomAD v4.1: 4 of 1,613,872 alleles (0.00025%); highest among the groups gnomAD compares: African/African-American, 0.004%; no homozygotes.

Submissions (3):

Ambry Genetics
Classification: Uncertain significance for Inborn genetic diseases. Last evaluated: 2022-10-06. Review status: criteria provided, single submitter. Criteria: Ambry Variant Classification Scheme 2023. Collection method: clinical testing. Allele origin: germline.

Labcorp Genetics (formerly Invitae), Labcorp
Classification: Uncertain significance. Last evaluated: 2022-01-13. Review status: criteria provided, single submitter. Criteria: Invitae Variant Classification Sherloc (09022015). Collection method: clinical testing. Allele origin: germline.
Comment: This sequence change replaces threonine, which is neutral and polar, with serine, which is neutral and polar, at codon 333 of the CDH23 protein (p.Thr333Ser). This variant is not present in population databases (gnomAD no frequency). This variant has not been reported in the literature in individuals affected with CDH23-related conditions. ClinVar contains an entry for this variant (Variation ID: 841413). Algorithms developed to predict the effect of missense changes on protein structure and function are either unavailable or do not agree on the potential impact of this missense change (SIFT: "Deleterious"; PolyPhen-2: "Not Available"; Align-GVGD: "Class C55"). In summary, the available evidence is currently insufficient to determine the role of this variant in disease. Therefore, it has been classified as a Variant of Uncertain Significance.

Natera, Inc.
Classification: Uncertain significance for Usher syndrome type 1. Last evaluated: 2020-07-28. Review status: no assertion criteria provided. Collection method: clinical testing. Allele origin: germline. Not counted in ClinVar's aggregate classification.

NM_022124.6(CDH23):c.997A>T (p.Thr333Ser)

Gene: CDH23 (cadherin related 23; plus strand). Cytogenetic location: 10q22.1.
Variant type: single nucleotide variant.
Coding change: c.997A>T on transcript NM_022124.6 (MANE Select); coding-DNA position 997, A replaced by T.
Protein change: p.Thr333Ser; replaces threonine 333 with serine.
Molecular consequence: missense variant.
Genome position (GRCh38, 1-based): chr10:71,617,256, A>T. VCF-style: chr10-71617256-A-T. GRCh37 (hg19) VCF-style: chr10-73377013-A-T.
Other names: c.997A>T, p.Thr333Ser (NM_001171930.2, NM_001171931.2, NM_001171932.2 and 1 more transcripts); short protein forms T333S.
Identifiers: ClinVar variation 841413 (VCV000841413.8), dbSNP rs371005464, ClinGen allele CA209424015.
Genomic context (GRCh38, chr10:71,617,256, plus strand): 5'-TGTCCATAGGGCACGGAGCTGAACGATGACCGCACCCCATCTGACGCTACAGTCACCACG[A>T]CCTTCAATATCCTGGTTATTGACATCAATGACAATGCCCCGGAGTTCAACAGCTCCGAGT-3'
Protein context (NP_071407.4, residues 323-343): RTPSDATVTT[Thr333Ser]FNILVIDIND